The following is an entry in ClinVar:

ClinVar aggregate classification (germline): Uncertain significance. Review status: criteria provided, multiple submitters, no conflicts (2 of 4 stars). 4 submissions from 4 submitters: Uncertain significance (4). Last evaluated 2026-06-24.

Conditions:
Hermansky-Pudlak syndrome 5 (HPS5). Identifiers: Orphanet 231512, Orphanet 79430, MedGen C3888004, MONDO:0013557, OMIM 614074.

Allele frequency attached by ClinVar (database versions not stated): gnomAD 0.00001 and below 0.00001; TOPMed 0.00001; gnomAD exomes 0.00002 and 0.00005; ExAC 0.00003.
gnomAD v4.1: 33 of 1,613,908 alleles (0.002%); highest among the groups gnomAD compares: South Asian, 0.027%; no homozygotes.

Submissions (4):

Women's Health and Genetics/Laboratory Corporation of America, LabCorp
Classification: Uncertain significance. Last evaluated: 2026-06-24. Review status: criteria provided, single submitter. Criteria: LabCorp Variant Classification Summary - May 2015. Collection method: clinical testing. Allele origin: germline.
Comment: Variant summary: HPS5 c.163G>A (p.Gly55Arg) results in a non-conservative amino acid change in the encoded protein sequence. Algorithms developed to predict the effect of missense changes on protein structure and function are either unavailable or do not agree on the potential impact of this missense change. The variant allele was found at a frequency of 4.8e-05 in 251464 control chromosomes. This frequency is not significantly higher than estimated for disease-causing variants in HPS5, allowing no conclusion about variant significance. To our knowledge, no occurrence of c.163G>A in individuals affected with HPS5-related conditions and no experimental evidence demonstrating its impact on protein function have been reported. ClinVar contains an entry for this variant (Variation ID: 303899). Based on the evidence outlined above, the variant was classified as uncertain significance.

Mayo Clinic Laboratories, Mayo Clinic
Classification: Uncertain significance. Last evaluated: 2025-01-23. Review status: criteria provided, single submitter. Criteria: ACMG Guidelines, 2015. Collection method: clinical testing. Allele origin: germline. Observed: 1 variant allele.
Comment: PM2_supporting

Labcorp Genetics (formerly Invitae), Labcorp
Classification: Uncertain significance. Last evaluated: 2021-08-28. Review status: criteria provided, single submitter. Criteria: Invitae Variant Classification Sherloc (09022015). Collection method: clinical testing. Allele origin: germline.

Illumina Laboratory Services, Illumina
Classification: Uncertain significance for Hermansky-Pudlak syndrome 5. Last evaluated: 2018-01-13. Review status: criteria provided, single submitter. Criteria: ICSL Variant Classification Criteria 13 December 2019. Collection method: clinical testing. Allele origin: germline.

NM_181507.2(HPS5):c.163G>A (p.Gly55Arg)

Gene: HPS5 (HPS5 biogenesis of lysosomal organelles complex 2 subunit 2; minus strand). Cytogenetic location: 11p15.1.
Variant type: single nucleotide variant.
Coding change: c.163G>A on transcript NM_181507.2 (MANE Select); coding-DNA position 163, G replaced by A.
Protein change: p.Gly55Arg; replaces glycine 55 with arginine.
Molecular consequence: missense variant. On other transcripts: 5 prime UTR variant (1).
Genome position (GRCh38, 1-based): chr11:18,311,970, C>T on the plus strand (G>A on the coding strand, the complement: HPS5 is on the minus strand). VCF-style: chr11-18311970-C-T. GRCh37 (hg19) VCF-style: chr11-18333517-C-T.
Other names: p.Gly55Arg; c.-180G>A (NM_007216.4, NM_181508.2); short protein forms G55R.
Identifiers: ClinVar variation 303899 (VCV000303899.10), dbSNP rs774361456, ClinGen allele CA5910556.